The following is an entry in ClinVar:

ClinVar aggregate classification (germline): Benign/Likely benign. Review status: criteria provided, multiple submitters, no conflicts (2 of 4 stars). 4 submissions from 4 submitters: Benign (1); Likely benign (3). Last evaluated 2025-05-30.

Conditions:
Hereditary leiomyomatosis and renal cell cancer. Also called: Reed syndrome; Multiple cutaneous and uterine leiomyomatosis; Cutaneous leiomyomata with uterine leiomyomata; Leiomyoma, hereditary multiple, of skin; Multiple cutaneous and uterine leiomyomata; Multiple cutaneous leiomyomas. Identifiers: Orphanet 523, MedGen C1708350, MONDO:0007888, OMIM 150800, HP:0007437. Disease mechanism: loss of function.
Hereditary cancer-predisposing syndrome. Also called: Neoplastic Syndromes, Hereditary; Hereditary Cancer Syndrome; Hereditary neoplastic syndrome; Tumor predisposition. Identifiers: Orphanet 140162, MedGen C0027672, MeSH D009386, MONDO:0015356.

Allele frequency attached by ClinVar (database versions not stated): gnomAD exomes below 0.00001; TOPMed below 0.00001.
gnomAD v4.1: 3 of 1,613,752 alleles (0.00019%); highest among the groups gnomAD compares: Admixed American, 0.0017%; no homozygotes.

Submissions (4):

Labcorp Genetics (formerly Invitae), Labcorp
Classification: Likely benign. Last evaluated: 2025-05-30. Review status: criteria provided, single submitter. Criteria: Invitae Variant Classification Sherloc (09022015). Collection method: clinical testing. Allele origin: germline.

Myriad Genetics, Inc.
Classification: Benign for Hereditary leiomyomatosis and renal cell cancer. Last evaluated: 2024-10-18. Review status: criteria provided, single submitter. Criteria: Myriad Autosomal Dominant, Autosomal Recessive and X-Linked Classification Criteria (2023). Collection method: clinical testing. Allele origin: unknown.
Comment: This variant is considered benign. This variant is a silent/synonymous amino acid change and it is not expected to impact splicing.

Quest Diagnostics Nichols Institute San Juan Capistrano
Classification: Likely benign. Last evaluated: 2023-03-29. Review status: criteria provided, single submitter. Criteria: Quest Diagnostics criteria. Collection method: clinical testing. Allele origin: unknown.

Ambry Genetics
Classification: Likely benign for Hereditary cancer-predisposing syndrome. Last evaluated: 2019-12-26. Review status: criteria provided, single submitter. Criteria: Ambry Variant Classification Scheme 2023. Collection method: clinical testing. Allele origin: germline.

NM_000143.4(FH):c.621G>A (p.Leu207=)

Gene: FH (fumarate hydratase; minus strand). Cytogenetic location: 1q43.
Variant type: single nucleotide variant.
Coding change: c.621G>A on transcript NM_000143.4 (MANE Select); coding-DNA position 621, G replaced by A.
Protein change: p.Leu207=; no amino-acid change (leucine 207 retained).
Molecular consequence: synonymous variant.
Genome position (GRCh38, 1-based): chr1:241,508,720, C>T on the plus strand (G>A on the coding strand, the complement: FH is on the minus strand). VCF-style: chr1-241508720-C-T. GRCh37 (hg19) VCF-style: chr1-241672020-C-T.
Identifiers: ClinVar variation 1081926 (VCV001081926.12), dbSNP rs1210947784, ClinGen allele CA424076124.